The following is an entry in ClinVar:

ClinVar aggregate classification (germline): Likely pathogenic. Review status: criteria provided, multiple submitters, no conflicts (2 of 4 stars). 2 submissions from 2 submitters: Likely pathogenic (2). Last evaluated 2022-10-07.

Conditions:
ARMC9-related disorder. Also called: ARMC9-related condition.

Allele frequency attached by ClinVar (database versions not stated): TOPMed below 0.00001; ExAC 0.00001; gnomAD 0.00001.
gnomAD v4.1: 3 of 1,612,690 alleles (0.00019%); highest among the groups gnomAD compares: Non-Finnish European, 0.00017%; no homozygotes.

Submissions (2):

Labcorp Genetics (formerly Invitae), Labcorp
Classification: Likely pathogenic. Last evaluated: 2022-10-07. Review status: criteria provided, single submitter. Criteria: Invitae Variant Classification Sherloc (09022015). Collection method: clinical testing. Allele origin: germline.
Comment: This sequence change affects a donor splice site in intron 18 of the ARMC9 gene. It is expected to disrupt RNA splicing. Variants that disrupt the donor or acceptor splice site typically lead to a loss of protein function (PMID: 16199547), and loss-of-function variants in ARMC9 are known to be pathogenic (PMID: 28625504). This variant is present in population databases (rs201514487, gnomAD 0.003%). This variant has not been reported in the literature in individuals affected with ARMC9-related conditions. Algorithms developed to predict the effect of sequence changes on RNA splicing suggest that this variant may disrupt the consensus splice site. In summary, the currently available evidence indicates that the variant is pathogenic, but additional data are needed to prove that conclusively. Therefore, this variant has been classified as Likely Pathogenic.

Blueprint Genetics
Classification: Likely pathogenic for ARMC9-related disorders. Last evaluated: 2020-08-06. Review status: criteria provided, single submitter. Criteria: ACMG Guidelines, 2015. Collection method: clinical testing. Allele origin: germline. Affected: yes. Observed: 2 variant alleles.

Literature cited by the submitters: PubMed 16199547 (cited by Labcorp Genetics (formerly Invitae), Labcorp); PubMed 28625504 (cited by Labcorp Genetics (formerly Invitae), Labcorp).

NM_001352754.2(ARMC9):c.1773+1G>A

Gene: ARMC9 (armadillo repeat containing 9; plus strand). Cytogenetic location: 2q37.1.
Variant type: single nucleotide variant.
Coding change: c.1773+1G>A on transcript NM_001352754.2 (MANE Select); the canonical splice donor site of the intron after coding-DNA position 1773, G replaced by A.
Molecular consequence: splice donor variant.
Genome position (GRCh38, 1-based): chr2:231,296,254, G>A. VCF-style: chr2-231296254-G-A. GRCh37 (hg19) VCF-style: chr2-232160967-G-A.
Other names: c.1773+1G>A (NM_001271466.4, NM_001352755.2, NM_001352756.2 and 3 more transcripts); c.1674+1G>A (NM_001352757.2, NM_001352758.2).
Identifiers: ClinVar variation 1908259 (VCV001908259.6), dbSNP rs201514487, ClinGen allele CA2160472.